The following is an entry in ClinVar:

NM_003797.5(EED):c.340G>T (p.Ala114Ser)

Gene: EED (embryonic ectoderm development; plus strand). Cytogenetic location: 11q14.2.
Variant type: single nucleotide variant.
Coding change: c.340G>T on transcript NM_003797.5 (MANE Select); coding-DNA position 340, G replaced by T.
Protein change: p.Ala114Ser; replaces alanine 114 with serine.
Molecular consequence: missense variant.
Genome position (GRCh38, 1-based): chr11:86,252,220, G>T. VCF-style: chr11-86252220-G-T. GRCh37 (hg19) VCF-style: chr11-85963262-G-T.
Other names: c.340G>T, p.Ala114Ser (NM_001308007.2, NM_001330334.2); short protein forms A114S.
Identifiers: ClinVar variation 3252390 (VCV003252390.1), dbSNP rs2495775191.

ClinVar aggregate classification (germline): Uncertain significance (1 of 4 stars; one submission).

Submission:

GeneDx
Classification: Uncertain significance. Last evaluated: 2024-01-03. Review status: criteria provided, single submitter. Criteria: GeneDx Variant Classification Process June 2021. Collection method: clinical testing. Allele origin: germline. Affected: yes.
Comment: Not observed at significant frequency in large population cohorts (gnomAD); In silico analysis supports that this missense variant has a deleterious effect on protein structure/function; Has not been previously published as pathogenic or benign to our knowledge